The following is an entry in ClinVar:

ClinVar aggregate classification (germline): Conflicting classifications of pathogenicity. Review status: criteria provided, conflicting classifications (1 of 4 stars). 4 submissions from 4 submitters: Uncertain significance (2); Benign (1). 1 of the submissions does not count toward it. Last evaluated 2024-11-26.

Conditions:
Primary ciliary dyskinesia. Also called: Ciliary dyskinesia. Identifiers: Orphanet 244, MedGen C0008780, MONDO:0016575, HP:0012265.
DNAH11-related disorder. Also called: DNAH11-related condition.

Allele frequency attached by ClinVar (database versions not stated): 1000 Genomes Project 30x 0.00016; 1000 Genomes Project 0.00020.
gnomAD v4.1: 29 of 1,613,384 alleles (0.0018%); highest among the groups gnomAD compares: South Asian, 0.031%; no homozygotes.

Submissions (4):

Blueprint Genetics
Classification: Uncertain significance. Last evaluated: 2024-11-26. Review status: criteria provided, single submitter. Criteria: ACMG Guidelines, 2015. Collection method: clinical testing. Allele origin: germline.

Labcorp Genetics (formerly Invitae), Labcorp
Classification: Benign for Primary ciliary dyskinesia. Last evaluated: 2024-02-11. Review status: criteria provided, single submitter. Criteria: Invitae Variant Classification Sherloc (09022015). Collection method: clinical testing. Allele origin: germline.

Ambry Genetics
Classification: Uncertain significance for Primary ciliary dyskinesia. Last evaluated: 2017-05-05. Review status: criteria provided, single submitter. Criteria: Ambry Variant Classification Scheme 2023. Collection method: clinical testing. Allele origin: germline.
Comment: The p.R2082P variant (also known as c.6245G>C), located in coding exon 37 of the DNAH11 gene, results from a G to C substitution at nucleotide position 6245. The arginine at codon 2082 is replaced by proline, an amino acid with dissimilar properties. This amino acid position is well conserved in available vertebrate species. In addition, the in silico prediction for this alteration is inconclusive. Since supporting evidence is limited at this time, the clinical significance of this alteration remains unclear.

PreventionGenetics, part of Exact Sciences
Classification: Uncertain significance for DNAH11-related condition. Last evaluated: 2023-12-01. Review status: no assertion criteria provided. Collection method: clinical testing. Allele origin: germline. Not counted in ClinVar's aggregate classification.
Comment: The DNAH11 c.6245G>C variant is predicted to result in the amino acid substitution p.Arg2082Pro. To our knowledge, this variant has not been reported in the literature. This variant is reported in 0.033% of alleles in individuals of South Asian descent in gnomAD. At this time, the clinical significance of this variant is uncertain due to the absence of conclusive functional and genetic evidence.

NM_001277115.2(DNAH11):c.6245G>C (p.Arg2082Pro)

Gene: DNAH11 (dynein axonemal heavy chain 11; plus strand). Cytogenetic location: 7p15.3.
Variant type: single nucleotide variant.
Coding change: c.6245G>C on transcript NM_001277115.2 (MANE Select); coding-DNA position 6245, G replaced by C.
Protein change: p.Arg2082Pro; replaces arginine 2082 with proline.
Molecular consequence: missense variant.
Genome position (GRCh38, 1-based): chr7:21,702,774, G>C. VCF-style: chr7-21702774-G-C. GRCh37 (hg19) VCF-style: chr7-21742392-G-C.
Other names: c.6266G>C, p.Arg2089Pro (NM_003777.3); short protein forms R2089P, R2082P.
Identifiers: ClinVar variation 1752398 (VCV001752398.8), dbSNP rs563280837, ClinGen allele CA4180740.
Genomic context (GRCh38, chr7:21,702,774, plus strand): 5'-ATTACGACTGGGGACTTCGTGCTATTAAGTCTGTCTTGGTTGTGGCTGGATCTCTGAAAC[G>C]AGGAGATAAAAATAGACCCGAAGATCAGGTACTGCAATGCTAATATGATTTTGTTGAGTG-3'
Protein context (NP_001264044.1, residues 2072-2092): SVLVVAGSLK[Arg2082Pro]GDKNRPEDQV